The following is an entry in ClinVar:

ClinVar aggregate classification (germline): Uncertain significance. Review status: criteria provided, multiple submitters, no conflicts (2 of 4 stars). 2 submissions from 2 submitters: Uncertain significance (2). Last evaluated 2024-11-13.

Conditions:
Cardiovascular phenotype. Identifiers: MedGen CN230736.
Brugada syndrome. Also called: Sudden Unexplained Nocturnal Death Syndrome (SUNDS); Sudden Unexplained Death Syndrome; Sudden unexplained nocturnal death syndrome; Sudden unexpected nocturnal death syndrome. Identifiers: Orphanet 130, MedGen C1142166, MONDO:0015263.

Allele frequency attached by ClinVar (database versions not stated): gnomAD exomes below 0.00001.
gnomAD v4.1: 2 of 1,602,452 alleles (0.00012%); highest among the groups gnomAD compares: African/African-American, 0.0013%; no homozygotes.

Submissions (2):

Labcorp Genetics (formerly Invitae), Labcorp
Classification: Uncertain significance for Brugada syndrome. Last evaluated: 2024-11-13. Review status: criteria provided, single submitter. Criteria: Invitae Variant Classification Sherloc (09022015). Collection method: clinical testing. Allele origin: germline.
Comment: This sequence change replaces cysteine, which is neutral and slightly polar, with tyrosine, which is neutral and polar, at codon 343 of the GPD1L protein (p.Cys343Tyr). This variant is not present in population databases (gnomAD no frequency). This variant has not been reported in the literature in individuals affected with GPD1L-related conditions. ClinVar contains an entry for this variant (Variation ID: 2482985). Invitae Evidence Modeling of protein sequence and biophysical properties (such as structural, functional, and spatial information, amino acid conservation, physicochemical variation, residue mobility, and thermodynamic stability) indicates that this missense variant is not expected to disrupt GPD1L protein function with a negative predictive value of 80%. In summary, the available evidence is currently insufficient to determine the role of this variant in disease. Therefore, it has been classified as a Variant of Uncertain Significance.

Ambry Genetics
Classification: Uncertain significance for Cardiovascular phenotype. Last evaluated: 2023-03-07. Review status: criteria provided, single submitter. Criteria: Ambry Variant Classification Scheme 2023. Collection method: clinical testing. Allele origin: germline.

NM_015141.4(GPD1L):c.1028G>A (p.Cys343Tyr)

Gene: GPD1L (glycerol-3-phosphate dehydrogenase 1 like; plus strand). Cytogenetic location: 3p22.3.
Variant type: single nucleotide variant.
Coding change: c.1028G>A on transcript NM_015141.4 (MANE Select); coding-DNA position 1028, G replaced by A.
Protein change: p.Cys343Tyr; replaces cysteine 343 with tyrosine.
Molecular consequence: missense variant.
Genome position (GRCh38, 1-based): chr3:32,165,882, G>A. VCF-style: chr3-32165882-G-A. GRCh37 (hg19) VCF-style: chr3-32207374-G-A.
Other names: short protein forms C343Y.
Identifiers: ClinVar variation 2482985 (VCV002482985.4), dbSNP rs1575125044, ClinGen allele CA351970635.
Genomic context (GRCh38, chr3:32,165,882, plus strand): 5'-TGTTTACTGCAGTGTATCAGATCTGCTACGAAAGCAGACCAGTTCAAGAGATGTTGTCTT[G>A]TCTTCAGAGCCATCCAGAGCATACATAAAGTGAATCATGCAACGTGTTGGGGGAAGTTCT-3'
Protein context (NP_055956.1, residues 333-351): ESRPVQEMLS[Cys343Tyr]LQSHPEHT